The following is an entry in ClinVar:

ClinVar aggregate classification (germline): Likely benign. Review status: criteria provided, multiple submitters, no conflicts (2 of 4 stars). 2 submissions from 2 submitters: Likely benign (2). Last evaluated 2025-12-15.

Conditions:
MORC2-related disorder. Also called: MORC2-related condition.
Charcot-Marie-Tooth disease axonal type 2Z. Also called: CHARCOT-MARIE-TOOTH DISEASE, AXONAL, AUTOSOMAL DOMINANT, TYPE 2Z; CHARCOT-MARIE-TOOTH NEUROPATHY, TYPE 2Z. Identifiers: Orphanet 466768, MedGen C5569025, MONDO:0014736, OMIM 616688.

Allele frequency attached by ClinVar (database versions not stated): gnomAD exomes 0.00002 and 0.00006; gnomAD 0.00003 and 0.00004; TOPMed 0.00005; 1000 Genomes Project 30x 0.00016; 1000 Genomes Project 0.00020.
gnomAD v4.1: 27 of 1,551,054 alleles (0.0017%); highest among the groups gnomAD compares: Admixed American, 0.016%; no homozygotes.

Submissions (2):

PreventionGenetics, part of Exact Sciences
Classification: Likely benign for MORC2-related condition. Last evaluated: 2025-12-15. Review status: criteria provided, single submitter. Criteria: ACMG Guidelines, 2015. Collection method: clinical testing. Allele origin: germline.
Comment: This variant is classified as likely benign based on ACMG/AMP sequence variant interpretation guidelines (Richards et al. 2015 PMID: 25741868, with internal and published modifications).

Labcorp Genetics (formerly Invitae), Labcorp
Classification: Likely benign for Charcot-Marie-Tooth disease axonal type 2Z. Last evaluated: 2025-06-08. Review status: criteria provided, single submitter. Criteria: Invitae Variant Classification Sherloc (09022015). Collection method: clinical testing. Allele origin: germline.

NM_001303256.3(MORC2):c.18C>T (p.Tyr6=)

Gene: MORC2 (MORC family CW-type zinc finger 2; minus strand). Cytogenetic location: 22q12.2.
Variant type: single nucleotide variant.
Coding change: c.18C>T on transcript NM_001303256.3 (MANE Select); coding-DNA position 18, C replaced by T.
Protein change: p.Tyr6=; no amino-acid change (tyrosine 6 retained).
Molecular consequence: synonymous variant. On other transcripts: 5 prime UTR variant (1).
Genome position (GRCh38, 1-based): chr22:30,967,872, G>A on the plus strand (C>T on the coding strand, the complement: MORC2 is on the minus strand). VCF-style: chr22-30967872-G-A. GRCh37 (hg19) VCF-style: chr22-31363858-G-A.
Other names: c.18C>T (NM_001303256.2); c.18C>T, p.Tyr6= (NM_001303257.2); c.-1035C>T (NM_014941.3).
Identifiers: ClinVar variation 1144373 (VCV001144373.10), dbSNP rs189769173, ClinGen allele CA323626808.